The following is an entry in ClinVar:

NM_002291.3(LAMB1):c.1813C>T (p.Pro605Ser)

Gene: LAMB1 (laminin subunit beta 1; minus strand). Cytogenetic location: 7q31.1.
Variant type: single nucleotide variant.
Coding change: c.1813C>T on transcript NM_002291.3 (MANE Select); coding-DNA position 1813, C replaced by T.
Protein change: p.Pro605Ser; replaces proline 605 with serine.
Molecular consequence: missense variant.
Genome position (GRCh38, 1-based): chr7:107,962,949, G>A on the plus strand (C>T on the coding strand, the complement: LAMB1 is on the minus strand). VCF-style: chr7-107962949-G-A. GRCh37 (hg19) VCF-style: chr7-107603394-G-A.
Other names: short protein forms P605S.
Identifiers: ClinVar variation 4701211 (VCV004701211.1).

ClinVar aggregate classification (germline): Uncertain significance (1 of 4 stars; one submission).

gnomAD v4.1: 16 of 1,613,986 alleles (0.00099%); highest among the groups gnomAD compares: Non-Finnish European, 0.0011%; no homozygotes.

Submission:

Labcorp Genetics (formerly Invitae), Labcorp
Classification: Uncertain significance. Last evaluated: 2025-05-22. Review status: criteria provided, single submitter. Criteria: Invitae Variant Classification Sherloc (09022015). Collection method: clinical testing. Allele origin: germline.
Comment: This sequence change replaces proline, which is neutral and non-polar, with serine, which is neutral and polar, at codon 605 of the LAMB1 protein (p.Pro605Ser). This variant is not present in population databases (gnomAD no frequency). This variant has not been reported in the literature in individuals affected with LAMB1-related conditions. An algorithm developed to predict the effect of missense changes on protein structure and function (PolyPhen-2) suggests that this variant is likely to be disruptive. In summary, the available evidence is currently insufficient to determine the role of this variant in disease. Therefore, it has been classified as a Variant of Uncertain Significance.